The following is an entry in ClinVar:

NM_001042492.3(NF1):c.6716A>T (p.Gln2239Leu)

Gene: NF1 (neurofibromin 1; plus strand). Cytogenetic location: 17q11.2.
Variant type: single nucleotide variant.
Coding change: c.6716A>T on transcript NM_001042492.3 (MANE Select); coding-DNA position 6716, A replaced by T.
Protein change: p.Gln2239Leu; replaces glutamine 2239 with leucine.
Molecular consequence: missense variant.
Genome position (GRCh38, 1-based): chr17:31,338,036, A>T. VCF-style: chr17-31338036-A-T. GRCh37 (hg19) VCF-style: chr17-29665054-A-T.
Other names: c.6653A>T, p.Gln2218Leu (NM_000267.4); short protein forms Q2218L, Q2239L.
Identifiers: ClinVar variation 661786 (VCV000661786.8), dbSNP rs1597844989, ClinGen allele CA399014002.

ClinVar aggregate classification (germline): Uncertain significance. Review status: criteria provided, multiple submitters, no conflicts (2 of 4 stars). 2 submissions from 2 submitters: Uncertain significance (2). Last evaluated 2025-05-12.

Conditions:
Hereditary cancer-predisposing syndrome. Also called: Neoplastic Syndromes, Hereditary; Hereditary neoplastic syndrome; Tumor predisposition; Hereditary Cancer Syndrome. Identifiers: Orphanet 140162, MedGen C0027672, MeSH D009386, MONDO:0015356.
Cardiovascular phenotype. Identifiers: MedGen CN230736.
Neurofibromatosis, type 1 (NF1). Also called: VON RECKLINGHAUSEN DISEASE; NEUROFIBROMATOSIS, TYPE I, SOMATIC; Peripheral type neurofibromatosis; Neurofibromatosis, type I. Identifiers: Orphanet 636, MedGen C0027831, MONDO:0018975, OMIM 162200. Disease mechanism: loss of function.

Submissions (2):

Ambry Genetics
Classification: Uncertain significance for Cardiovascular phenotype; Hereditary cancer-predisposing syndrome. Last evaluated: 2025-05-12. Review status: criteria provided, single submitter. Criteria: Ambry Variant Classification Scheme 2023. Collection method: clinical testing. Allele origin: germline.
Comment: The p.Q2218L variant (also known as c.6653A>T), located in coding exon 44 of the NF1 gene, results from an A to T substitution at nucleotide position 6653. The glutamine at codon 2218 is replaced by leucine, an amino acid with dissimilar properties. This amino acid position is conserved. In addition, this alteration is predicted to be deleterious by in silico analysis. Based on the available evidence, the clinical significance of this variant remains unclear.

Labcorp Genetics (formerly Invitae), Labcorp
Classification: Uncertain significance for Neurofibromatosis, type 1. Last evaluated: 2019-04-24. Review status: criteria provided, single submitter. Criteria: Invitae Variant Classification Sherloc (09022015). Collection method: clinical testing. Allele origin: germline.
Comment: This variant is not present in population databases (ExAC no frequency). This sequence change replaces glutamine with leucine at codon 2218 of the NF1 protein (p.Gln2218Leu). The glutamine residue is moderately conserved and there is a moderate physicochemical difference between glutamine and leucine. This variant has not been reported in the literature in individuals with NF1-related disease. Algorithms developed to predict the effect of missense changes on protein structure and function are either unavailable or do not agree on the potential impact of this missense change (SIFT: "Tolerated"; PolyPhen-2: "Probably Damaging"; Align-GVGD: "Class C0"). In summary, the available evidence is currently insufficient to determine the role of this variant in disease. Therefore, it has been classified as a Variant of Uncertain Significance.